The following is an entry in ClinVar:

ClinVar aggregate classification (germline): Benign/Likely benign. Review status: criteria provided, multiple submitters, no conflicts (2 of 4 stars). 4 submissions from 4 submitters: Benign (1); Likely benign (3). Last evaluated 2025-05-15.

Conditions:
Familial cancer of breast. Also called: BREAST CANCER, FAMILIAL; Hereditary breast cancer; hereditary breast carcinoma. Identifiers: Orphanet 227535, MedGen C0346153, MONDO:0016419, OMIM 114480. Disease mechanism: loss of function.
Hereditary cancer-predisposing syndrome. Also called: Neoplastic Syndromes, Hereditary; Hereditary Cancer Syndrome; Hereditary neoplastic syndrome; Tumor predisposition. Identifiers: Orphanet 140162, MedGen C0027672, MeSH D009386, MONDO:0015356.

Allele frequency attached by ClinVar (database versions not stated): gnomAD exomes below 0.00001; TOPMed below 0.00001.
gnomAD v4.1: 3 of 1,612,598 alleles (0.00019%); highest among the groups gnomAD compares: Non-Finnish European, 0.00017%; no homozygotes.

Submissions (4):

Labcorp Genetics (formerly Invitae), Labcorp
Classification: Likely benign for Familial cancer of breast. Last evaluated: 2025-05-15. Review status: criteria provided, single submitter. Criteria: Invitae Variant Classification Sherloc (09022015). Collection method: clinical testing. Allele origin: germline.

Myriad Genetics, Inc.
Classification: Benign for Familial cancer of breast. Last evaluated: 2025-01-10. Review status: criteria provided, single submitter. Criteria: Myriad Autosomal Dominant, Autosomal Recessive and X-Linked Classification Criteria (2023). Collection method: clinical testing. Allele origin: unknown.
Comment: This variant is considered benign. This variant is a silent/synonymous amino acid change and it is not expected to impact splicing.

Color Diagnostics, LLC DBA Color Health
Classification: Likely benign for Hereditary cancer-predisposing syndrome. Last evaluated: 2017-12-23. Review status: criteria provided, single submitter. Criteria: ACMG Guidelines, 2015. Collection method: clinical testing. Allele origin: germline.

Ambry Genetics
Classification: Likely benign for Hereditary cancer-predisposing syndrome. Last evaluated: 2016-07-22. Review status: criteria provided, single submitter. Criteria: Ambry Variant Classification Scheme 2023. Collection method: clinical testing. Allele origin: germline.

NM_024675.4(PALB2):c.375A>G (p.Gln125=)

Gene: PALB2 (partner and localizer of BRCA2; minus strand). Cytogenetic location: 16p12.2.
Variant type: single nucleotide variant.
Coding change: c.375A>G on transcript NM_024675.4 (MANE Select); coding-DNA position 375, A replaced by G.
Protein change: p.Gln125=; no amino-acid change (glutamine 125 retained).
Molecular consequence: synonymous variant.
Genome position (GRCh38, 1-based): chr16:23,636,171, T>C on the plus strand (A>G on the coding strand, the complement: PALB2 is on the minus strand). VCF-style: chr16-23636171-T-C. GRCh37 (hg19) VCF-style: chr16-23647492-T-C.
Identifiers: ClinVar variation 461000 (VCV000461000.18), dbSNP rs531307676, ClinGen allele CA279500156.